The following is an entry in ClinVar:

NM_004187.5(KDM5C):c.1001A>T (p.Asp334Val)

Gene: KDM5C (lysine demethylase 5C; minus strand). Cytogenetic location: Xp11.22.
Variant type: single nucleotide variant.
Coding change: c.1001A>T on transcript NM_004187.5 (MANE Select); coding-DNA position 1001, A replaced by T.
Protein change: p.Asp334Val; replaces aspartic acid 334 with valine.
Molecular consequence: missense variant. On other transcripts: non-coding transcript variant (3).
Genome position (GRCh38, 1-based): chrX:53,214,810, T>A on the plus strand (A>T on the coding strand, the complement: KDM5C is on the minus strand). VCF-style: chrX-53214810-T-A. GRCh37 (hg19) VCF-style: chrX-53243992-T-A.
Other names: c.800A>T, p.Asp267Val (NM_001146702.2); c.998A>T, p.Asp333Val (NM_001282622.3, NM_001353979.2, NM_001353982.2); c.1001A>T, p.Asp334Val (NM_001353978.3, NM_001353981.2, NM_001353984.2); short protein forms D267V, D333V, D334V.
Identifiers: ClinVar variation 1313534 (VCV001313534.2), dbSNP rs2073694550, ClinGen allele CA413132319.

ClinVar aggregate classification (germline): Uncertain significance (1 of 4 stars; one submission).

Allele frequency attached by ClinVar (database versions not stated): TOPMed below 0.00001.

Submission:

GeneDx
Classification: Uncertain significance. Last evaluated: 2020-10-22. Review status: criteria provided, single submitter. Criteria: GeneDx Variant Classification Process June 2021. Collection method: clinical testing. Allele origin: germline. Affected: yes.
Comment: Not observed in large population cohorts (Lek et al., 2016); In silico analysis supports that this missense variant has a deleterious effect on protein structure/function; Has not been previously published as pathogenic or benign to our knowledge